The following is an entry in ClinVar:

NM_025243.4(SLC19A3):c.307dup (p.Val103fs)

Gene: SLC19A3 (solute carrier family 19 member 3; minus strand). Cytogenetic location: 2q36.3.
Variant type: Duplication.
Coding change: c.307dup on transcript NM_025243.4 (MANE Select); coding-DNA position 307, one base duplicated (G; older notation c.307dupG).
Protein change: p.Val103fs; shifts the reading frame from valine 103.
Molecular consequence: frameshift variant.
Genome position (GRCh38, 1-based): chr2:227,699,408, C duplicated on the plus strand (G on the coding strand, the reverse complement: SLC19A3 is on the minus strand). VCF-style (leftmost placement, unchanged base first): chr2-227699407-A-AC. GRCh37 (hg19) VCF-style: chr2-228564123-A-AC.
Other names: c.307dup, p.Val103fs (NM_001371411.1, NM_001371412.1); c.295dup, p.Val99fs (NM_001371413.1, NM_001371414.1); c.307dupG (NM_025243.4); short protein forms V103fs, V99fs.
Identifiers: ClinVar variation 1332819 (VCV001332819.4), dbSNP rs2106329494, ClinGen allele CA2573051886.
Genomic context (GRCh38, chr2:227,699,407, plus strand): 5'-TAGGCCACCTCGGCGGCGGTGACCATCCCATAGAAGAACTCTACAACCTGCATGGTCTTC[A>AC]CTCCTTGGCCAAACAACAGCAGCAGCCAGGTAATGATGAAACTGATACCTTGCAAGATGA-3'

ClinVar aggregate classification (germline): Pathogenic. Review status: criteria provided, multiple submitters, no conflicts (2 of 4 stars). 2 submissions from 2 submitters: Pathogenic (2). Last evaluated 2024-02-29.

Conditions:
Biotin-responsive basal ganglia disease (BTBGD). Also called: Thiamine Transporter-2 Deficiency; thiamine-responsive encephalopathy; Thiamine metabolism dysfunction syndrome 2 (biotin- or thiamine-responsive encephalopathy type 2); Thiamine metabolism dysfunction syndrome type 2; THIAMINE METABOLISM DYSFUNCTION SYNDROME 2 (BIOTIN- AND THIAMINE-RESPONSIVE TYPE). Identifiers: Orphanet 199348, Orphanet 65284, MedGen C1843807, MONDO:0011841, OMIM 607483.

Submissions (2):

Labcorp Genetics (formerly Invitae), Labcorp
Classification: Pathogenic for Biotin-responsive basal ganglia disease. Last evaluated: 2024-02-29. Review status: criteria provided, single submitter. Criteria: Invitae Variant Classification Sherloc (09022015). Collection method: clinical testing. Allele origin: germline.
Comment: This sequence change creates a premature translational stop signal (p.Val103Glyfs*122) in the SLC19A3 gene. It is expected to result in an absent or disrupted protein product. Loss-of-function variants in SLC19A3 are known to be pathogenic (PMID: 23423671, 23482991). This variant is not present in population databases (gnomAD no frequency). This premature translational stop signal has been observed in individual(s) with clinical features of SLC19A3-related conditions (PMID: 34302356). ClinVar contains an entry for this variant (Variation ID: 1332819). For these reasons, this variant has been classified as Pathogenic.

Kasturba Medical College, Manipal, Kasturba Medical College, Manipal, Manipal Academy of Higher Education, Manipal, India
Classification: Pathogenic for Biotin-responsive basal ganglia disease. Review status: criteria provided, single submitter. Criteria: ACMG Guidelines, 2015. Collection method: research. Allele origin: inherited. Affected: yes.

Literature cited by the submitters: PubMed 23423671 (cited by Labcorp Genetics (formerly Invitae), Labcorp); PubMed 23482991 (cited by Labcorp Genetics (formerly Invitae), Labcorp); PubMed 34302356 (cited by Labcorp Genetics (formerly Invitae), Labcorp).